The following is an entry in ClinVar:

NM_020639.3(RIPK4):c.812G>A (p.Arg271Gln)

Gene: RIPK4 (receptor interacting serine/threonine kinase 4; minus strand). Cytogenetic location: 21q22.3.
Variant type: single nucleotide variant.
Coding change: c.812G>A on transcript NM_020639.3 (MANE Select); coding-DNA position 812, G replaced by A.
Protein change: p.Arg271Gln; replaces arginine 271 with glutamine.
Molecular consequence: missense variant.
Genome position (GRCh38, 1-based): chr21:41,746,633, C>T on the plus strand (G>A on the coding strand, the complement: RIPK4 is on the minus strand). VCF-style: chr21-41746633-C-T. GRCh37 (hg19) VCF-style: chr21-43166793-C-T.
Other names: short protein forms R271Q.
Identifiers: ClinVar variation 898401 (VCV000898401.7), dbSNP rs144179743, ClinGen allele CA10035608.
Genomic context (GRCh38, chr21:41,746,633, plus strand): 5'-ACACCCACAGAATGTGGCGGGGAGACCCCGGGGTGCTCACCTTGGAAGGTGGGCCTAACT[C>T]GCGGATCCCCCTGCCAGCACCGCTGCATGAGGCGTATCAGGTGGCTGCAGGCGCGCGGCC-3'
Protein context (NP_065690.2, residues 261-281): LMQRCWQGDP[Arg271Gln]VRPTFQEITS

ClinVar aggregate classification (germline): Uncertain significance. Review status: criteria provided, multiple submitters, no conflicts (2 of 4 stars). 3 submissions from 3 submitters: Uncertain significance (3). Last evaluated 2026-02-26.

Conditions:
Bartsocas-Papas syndrome 1. Also called: PTERYGIUM, POPLITEAL, LETHAL TYPE; Bartsocas-Papas syndrome; MULTIPLE PTERYGIUM SYNDROME, ASLAN TYPE. Identifiers: Orphanet 1234, MedGen C1849718, MONDO:0009901, OMIM 263650.
Inborn genetic diseases. Identifiers: MedGen C0950123, MeSH D030342.

Allele frequency attached by ClinVar (database versions not stated): 1000 Genomes Project 0.00020; TOPMed 0.00029; gnomAD 0.00030 and 0.00027; ESP Exome Variant Server 0.00031; gnomAD exomes 0.00032 and 0.00009; 1000 Genomes Project 30x 0.00031; ExAC 0.00010.
gnomAD v4.1: 494 of 1,610,440 alleles (0.031%); highest among the groups gnomAD compares: Non-Finnish European, 0.039%; no homozygotes.

Submissions (3):

GeneDx
Classification: Uncertain significance. Last evaluated: 2026-02-26. Review status: criteria provided, single submitter. Criteria: GeneDx Variant Classification Process June 2021. Collection method: clinical testing. Allele origin: germline.
Comment: In silico analysis suggests that this missense variant does not alter protein structure/function; Has not been previously published as pathogenic or benign to our knowledge; This variant is associated with the following publications: (PMID: 26388441)

Ambry Genetics
Classification: Uncertain significance for Inborn genetic diseases. Last evaluated: 2025-12-15. Review status: criteria provided, single submitter. Criteria: Ambry Variant Classification Scheme 2023. Collection method: clinical testing. Allele origin: germline.

Illumina Laboratory Services, Illumina
Classification: Uncertain significance for Bartsocas-Papas syndrome 1. Last evaluated: 2018-01-12. Review status: criteria provided, single submitter. Criteria: ICSL Variant Classification Criteria 13 December 2019. Collection method: clinical testing. Allele origin: germline.